The following is an entry in ClinVar:

ClinVar aggregate classification (germline): Benign/Likely benign. Review status: criteria provided, multiple submitters, no conflicts (2 of 4 stars). 2 submissions from 2 submitters: Benign (1); Likely benign (1). Last evaluated 2024-12-23.

Conditions:
Lynch syndrome 5 (LYNCH5). Also called: Colorectal cancer, hereditary nonpolyposis, type 5; Hereditary non-polyposis colorectal cancer, type 5. Identifiers: Orphanet 144, MedGen C1833477, MONDO:0013710, OMIM 614350. Disease mechanism: loss of function.
Hereditary cancer-predisposing syndrome. Also called: Neoplastic Syndromes, Hereditary; Tumor predisposition; Hereditary neoplastic syndrome; Hereditary Cancer Syndrome. Identifiers: Orphanet 140162, MedGen C0027672, MeSH D009386, MONDO:0015356.

Submissions (2):

Myriad Genetics, Inc.
Classification: Benign for Lynch syndrome 5. Last evaluated: 2024-12-23. Review status: criteria provided, single submitter. Criteria: Myriad Autosomal Dominant, Autosomal Recessive and X-Linked Classification Criteria (2023). Collection method: clinical testing. Allele origin: unknown.
Comment: This variant is considered benign. This variant is a silent/synonymous amino acid change and it is not expected to impact splicing.

Ambry Genetics
Classification: Likely benign for Hereditary cancer-predisposing syndrome. Last evaluated: 2024-02-25. Review status: criteria provided, single submitter. Criteria: Ambry Variant Classification Scheme 2023. Collection method: clinical testing. Allele origin: germline.

NM_000179.3(MSH6):c.1152G>A (p.Arg384=)

Gene: MSH6 (mutS homolog 6; plus strand). Cytogenetic location: 2p16.3.
Variant type: single nucleotide variant.
Coding change: c.1152G>A on transcript NM_000179.3 (MANE Select); coding-DNA position 1152, G replaced by A.
Protein change: p.Arg384=; no amino-acid change (arginine 384 retained).
Molecular consequence: synonymous variant. On other transcripts: non-coding transcript variant (4), intron variant (1).
Genome position (GRCh38, 1-based): chr2:47,799,135, G>A. VCF-style: chr2-47799135-G-A. GRCh37 (hg19) VCF-style: chr2-48026274-G-A.
Other names: c.762G>A, p.Arg254= (NM_001281492.2); c.246G>A, p.Arg82= (NM_001281493.2, NM_001281494.2, NM_001406811.1 and 6 more transcripts); c.1248G>A, p.Arg416= (NM_001406795.1, NM_001406802.1); c.1152G>A, p.Arg384= (NM_001406796.1, NM_001406798.1, NM_001406800.1 and 4 more transcripts); c.855G>A, p.Arg285= (NM_001406797.1, NM_001406801.1, NM_001406805.1 and 10 more transcripts); c.627G>A, p.Arg209= (NM_001406799.1, NM_001406806.1, NM_001406807.1); c.1074G>A, p.Arg358= (NM_001406804.1); c.1158G>A, p.Arg386= (NM_001406813.1); and 2 more.
Identifiers: ClinVar variation 3230491 (VCV003230491.2), dbSNP rs2104323360, ClinGen allele CA426121090.
Genomic context (GRCh38, chr2:47,799,135, plus strand): 5'-TTGGTATCATGAAACTTTAGAATGGCTTAAGGAGGAAAAGAGAAGAGATGAGCACAGGAG[G>A]AGGCCTGATCACCCCGATTTTGATGCATCTACACTCTATGTGCCTGAGGATTTCCTCAAT-3'
Protein context (NP_000170.1, residues 374-394): KEEKRRDEHR[Arg384=]RPDHPDFDAS